The following is an entry in ClinVar:

NM_001572.5(IRF7):c.827G>C (p.Ser276Thr)

Gene: IRF7 (interferon regulatory factor 7; minus strand). Cytogenetic location: 11p15.5.
Variant type: single nucleotide variant.
Coding change: c.827G>C on transcript NM_001572.5 (MANE Select); coding-DNA position 827, G replaced by C.
Protein change: p.Ser276Thr; replaces serine 276 with threonine.
Molecular consequence: missense variant.
Genome position (GRCh38, 1-based): chr11:613,805, C>G on the plus strand (G>C on the coding strand, the complement: IRF7 is on the minus strand). VCF-style: chr11-613805-C-G. GRCh37 (hg19) VCF-style: chr11-613805-C-G.
Other names: c.740G>C, p.Ser247Thr (NM_004029.4); c.866G>C, p.Ser289Thr (NM_004031.4); short protein forms S276T, S289T, S247T.
Identifiers: ClinVar variation 2012720 (VCV002012720.4), dbSNP rs761685941, ClinGen allele CA378979801.

ClinVar aggregate classification (germline): Uncertain significance (1 of 4 stars; one submission).

Conditions:
Immunodeficiency 39 (IMD39). Identifiers: Orphanet 574918, MedGen C4225358, MONDO:0014597, OMIM 616345.

Submission:

Labcorp Genetics (formerly Invitae), Labcorp
Classification: Uncertain significance for Immunodeficiency 39. Last evaluated: 2022-07-14. Review status: criteria provided, single submitter. Criteria: Invitae Variant Classification Sherloc (09022015). Collection method: clinical testing. Allele origin: germline.
Comment: This sequence change replaces serine, which is neutral and polar, with threonine, which is neutral and polar, at codon 289 of the IRF7 protein (p.Ser289Thr). This variant is not present in population databases (gnomAD no frequency). This variant has not been reported in the literature in individuals affected with IRF7-related conditions. Algorithms developed to predict the effect of missense changes on protein structure and function are either unavailable or do not agree on the potential impact of this missense change (SIFT: "Deleterious"; PolyPhen-2: "Benign"; Align-GVGD: "Class C0"). In summary, the available evidence is currently insufficient to determine the role of this variant in disease. Therefore, it has been classified as a Variant of Uncertain Significance.